The following is an entry in ClinVar:

ClinVar aggregate classification (germline): Likely benign. Review status: criteria provided, multiple submitters, no conflicts (2 of 4 stars). 2 submissions from 2 submitters: Likely benign (2). Last evaluated 2019-04-24.

Conditions:
Neuroblastoma, susceptibility to, 3. Also called: ALK-Related Neuroblastic Tumor Susceptibility. Identifiers: Orphanet 635, MedGen C2751681, MONDO:0013083, OMIM 613014.

Allele frequency attached by ClinVar (database versions not stated): gnomAD exomes 0.00126; gnomAD 0.01111 and 0.01192; TOPMed 0.01254; 1000 Genomes Project 0.01438; 1000 Genomes Project 30x 0.01546.
gnomAD v4.1: 2,172 of 511,782 alleles (0.42%); highest among the groups gnomAD compares: African/African-American, 3.8%; 28 homozygotes.

Submissions (2):

GeneDx
Classification: Likely benign. Last evaluated: 2019-04-24. Review status: criteria provided, single submitter. Criteria: GeneDx Variant Classification Process June 2021. Collection method: clinical testing. Allele origin: germline. Affected: yes.

Illumina Laboratory Services, Illumina
Classification: Likely benign for Neuroblastoma, susceptibility to, 3. Last evaluated: 2017-04-27. Review status: criteria provided, single submitter. Criteria: ICSL Variant Classification Criteria 13 December 2019. Collection method: clinical testing. Allele origin: germline.
Comment: This variant was observed as part of a predisposition screen in an ostensibly healthy population. A literature search was performed for the gene, cDNA change, and amino acid change (where applicable). No publications were found based on this search. Allele frequency data from public databases allowed determination this variant is unlikely to cause disease. Therefore, this variant is classified as likely benign.

NM_004304.5(ALK):c.-273G>C

Gene: ALK (ALK receptor tyrosine kinase; minus strand). Cytogenetic location: 2p23.1.
Variant type: single nucleotide variant.
Coding change: c.-273G>C on transcript NM_004304.5 (MANE Select); 273 bases upstream of the start codon, G replaced by C.
Molecular consequence: 5 prime UTR variant.
Genome position (GRCh38, 1-based): chr2:29,920,932, C>G on the plus strand (G>C on the coding strand, the complement: ALK is on the minus strand). VCF-style: chr2-29920932-C-G. GRCh37 (hg19) VCF-style: chr2-30143798-C-G.
Identifiers: ClinVar variation 335722 (VCV000335722.8), dbSNP rs72857538, ClinGen allele CA10615251.